The following is an entry in ClinVar:

ClinVar aggregate classification (germline): Uncertain significance (1 of 4 stars; one submission).

Conditions:
TAF1-related disorder. Also called: TAF1-related condition.

Submission:

PreventionGenetics, part of Exact Sciences
Classification: Uncertain significance for TAF1-related condition. Last evaluated: 2025-07-09. Review status: criteria provided, single submitter. Criteria: ACMG Guidelines, 2015. Collection method: clinical testing. Allele origin: germline.
Comment: The TAF1 c.5288C>T variant is predicted to result in the amino acid substitution p.Ala1763Val. To our knowledge, this variant has not been reported in the literature or in a large population database (gnomAD), indicating this variant is rare. At this time, the clinical significance of this variant is uncertain due to the absence of conclusive functional and genetic evidence.

NM_004606.5(TAF1):c.5222C>T (p.Ala1741Val)

Gene: TAF1 (TATA-box binding protein associated factor 1; plus strand). Cytogenetic location: Xq13.1.
Variant type: single nucleotide variant.
Coding change: c.5222C>T on transcript NM_004606.5 (MANE Select); coding-DNA position 5222, C replaced by T.
Protein change: p.Ala1741Val; replaces alanine 1741 with valine.
Molecular consequence: missense variant. On other transcripts: non-coding transcript variant (9).
Genome position (GRCh38, 1-based): chrX:71,460,626, C>T. VCF-style: chrX-71460626-C-T. GRCh37 (hg19) VCF-style: chrX-70680476-C-T.
Other names: c.5228C>T, p.Ala1743Val (NM_001286074.2); c.5324C>T, p.Ala1775Val (NM_001440852.1); c.5222C>T, p.Ala1741Val (NM_001440853.1); c.5159C>T, p.Ala1720Val (NM_001440854.1, NM_138923.4); short protein forms A1775V, A1720V, A1741V, A1743V.
Identifiers: ClinVar variation 4999244 (VCV004999244.1).